The following is an entry in ClinVar:

NM_033131.4(WNT3A):c.564C>T (p.Asn188=)

Gene: WNT3A (Wnt family member 3A; plus strand). Cytogenetic location: 1q42.13.
Variant type: single nucleotide variant.
Coding change: c.564C>T on transcript NM_033131.4 (MANE Select); coding-DNA position 564, C replaced by T.
Protein change: p.Asn188=; no amino-acid change (asparagine 188 retained).
Molecular consequence: synonymous variant.
Genome position (GRCh38, 1-based): chr1:228,050,906, C>T. VCF-style: chr1-228050906-C-T. GRCh37 (hg19) VCF-style: chr1-228238607-C-T.
Identifiers: ClinVar variation 724754 (VCV000724754.32), dbSNP rs145882986, ClinGen allele CA1429485.

ClinVar aggregate classification (germline): Likely benign. Review status: criteria provided, multiple submitters, no conflicts (2 of 4 stars). 3 submissions from 3 submitters: Likely benign (3). Last evaluated 2025-12-23.

Allele frequency attached by ClinVar (database versions not stated): ESP Exome Variant Server 0.00031; gnomAD exomes 0.00038 and 0.00067; 1000 Genomes Project 30x 0.00047; gnomAD 0.00055; 1000 Genomes Project 0.00060; TOPMed 0.00067; ExAC 0.00072.
gnomAD v4.1: 660 of 1,540,218 alleles (0.043%); highest among the groups gnomAD compares: Middle Eastern, 0.44%; 1 homozygote.

Submissions (3):

Labcorp Genetics (formerly Invitae), Labcorp
Classification: Likely benign. Last evaluated: 2025-12-23. Review status: criteria provided, single submitter. Criteria: Invitae Variant Classification Sherloc (09022015). Collection method: clinical testing. Allele origin: germline.

CeGaT Center for Human Genetics Tuebingen
Classification: Likely benign. Last evaluated: 2024-01-01. Review status: criteria provided, single submitter. Criteria: CeGaT Center For Human Genetics Tuebingen Variant Classification Criteria Version 2. Collection method: clinical testing. Allele origin: germline. Affected: yes. Observed: 1 variant allele.
Comment: WNT3A: BP4, BP7

Breakthrough Genomics
Classification: Likely benign. Review status: criteria provided, single submitter. Criteria: ACMG Guidelines, 2015. Collection method: not provided. Allele origin: germline. Inheritance: Unknown mechanism. Affected: yes.